The following is an entry in ClinVar:

ClinVar aggregate classification (germline): Uncertain significance (1 of 4 stars; one submission).

Conditions:
Kennedy disease (SMAX1). Also called: SPINAL AND BULBAR MUSCULAR ATROPHY, X-LINKED 1; KENNEDY SPINAL AND BULBAR MUSCULAR ATROPHY; Spinal and Bulbar Muscular Atrophy. Identifiers: Orphanet 481, MedGen C1839259, MONDO:0010735, OMIM 313200.
Androgen resistance syndrome (AIS). Also called: ANDROGEN RECEPTOR DEFICIENCY; DIHYDROTESTOSTERONE RECEPTOR DEFICIENCY; TESTICULAR FEMINIZATION SYNDROME; Androgen insensitivity syndrome; Androgen insensitivity; DHTR DEFICIENCY. Identifiers: Orphanet 754, Orphanet 99429, MedGen C0039585, MONDO:0019154, OMIM 300068. Disease mechanism: loss of function.

Submission:

Labcorp Genetics (formerly Invitae), Labcorp
Classification: Uncertain significance for Kennedy disease; Androgen resistance syndrome. Last evaluated: 2024-03-28. Review status: criteria provided, single submitter. Criteria: Invitae Variant Classification Sherloc (09022015). Collection method: clinical testing. Allele origin: germline.
Comment: This sequence change replaces phenylalanine, which is neutral and non-polar, with leucine, which is neutral and non-polar, at codon 771 of the AR protein (p.Phe771Leu). This variant is not present in population databases (gnomAD no frequency). This variant has not been reported in the literature in individuals affected with AR-related conditions. Advanced modeling of protein sequence and biophysical properties (such as structural, functional, and spatial information, amino acid conservation, physicochemical variation, residue mobility, and thermodynamic stability) has been performed at Invitae for this missense variant, however the output from this modeling did not meet the statistical confidence thresholds required to predict the impact of this variant on AR protein function. In summary, the available evidence is currently insufficient to determine the role of this variant in disease. Therefore, it has been classified as a Variant of Uncertain Significance.

NM_000044.6(AR):c.2311T>C (p.Phe771Leu)

Gene: AR (androgen receptor; plus strand). Cytogenetic location: Xq12.
Variant type: single nucleotide variant.
Coding change: c.2311T>C on transcript NM_000044.6 (MANE Select); coding-DNA position 2311, T replaced by C.
Protein change: p.Phe771Leu; replaces phenylalanine 771 with leucine.
Molecular consequence: missense variant.
Genome position (GRCh38, 1-based): chrX:67,717,615, T>C. VCF-style: chrX-67717615-T-C. GRCh37 (hg19) VCF-style: chrX-66937457-T-C.
Other names: c.715T>C, p.Phe239Leu (NM_001011645.3); short protein forms F239L, F771L.
Identifiers: ClinVar variation 3755562 (VCV003755562.2).